The following is an entry in ClinVar:

NM_016252.4(BIRC6):c.12906T>C (p.Ser4302=)

Gene: BIRC6 (baculoviral IAP repeat containing 6; plus strand). Cytogenetic location: 2p22.3.
Variant type: single nucleotide variant.
Coding change: c.12906T>C on transcript NM_016252.4 (MANE Select); coding-DNA position 12906, T replaced by C.
Protein change: p.Ser4302=; no amino-acid change (serine 4302 retained).
Molecular consequence: synonymous variant.
Genome position (GRCh38, 1-based): chr2:32,547,945, T>C. VCF-style: chr2-32547945-T-C. GRCh37 (hg19) VCF-style: chr2-32773012-T-C.
Other names: c.12903T>C, p.Ser4301= (NM_001378125.1).
Identifiers: ClinVar variation 722696 (VCV000722696.6), dbSNP rs142781350, ClinGen allele CA1605391.

ClinVar aggregate classification (germline): Benign. Review status: criteria provided, multiple submitters, no conflicts (2 of 4 stars). 3 submissions from 3 submitters: Benign (2). 1 of the submissions does not count toward it. Last evaluated 2018-08-05.

Conditions:
BIRC6-related disorder. Also called: BIRC6-related condition.

Allele frequency attached by ClinVar (database versions not stated): gnomAD 0.00441 and 0.00486; TOPMed 0.00490; ESP Exome Variant Server 0.00500; 1000 Genomes Project 0.00539; 1000 Genomes Project 30x 0.00547.
gnomAD v4.1: 1,249 of 1,613,804 alleles (0.077%); highest among the groups gnomAD compares: African/African-American, 1.4%; 9 homozygotes.

Submissions (3):

Labcorp Genetics (formerly Invitae), Labcorp
Classification: Benign. Last evaluated: 2018-08-05. Review status: criteria provided, single submitter. Criteria: Invitae Variant Classification Sherloc (09022015). Collection method: clinical testing. Allele origin: germline.

Breakthrough Genomics
Classification: Benign. Review status: criteria provided, single submitter. Criteria: ACMG Guidelines, 2015. Collection method: not provided. Allele origin: germline. Inheritance: Unknown mechanism. Affected: yes.

PreventionGenetics, part of Exact Sciences
Classification: Benign for BIRC6-related condition. Last evaluated: 2019-06-06. Review status: no assertion criteria provided. Collection method: clinical testing. Allele origin: germline. Not counted in ClinVar's aggregate classification.
Comment: This variant is classified as benign based on ACMG/AMP sequence variant interpretation guidelines (Richards et al. 2015 PMID: 25741868, with internal and published modifications).